The following is an entry in ClinVar:

ClinVar aggregate classification (germline): Likely pathogenic (1 of 4 stars; one submission).

Submission:

Quest Diagnostics Nichols Institute San Juan Capistrano
Classification: Likely pathogenic. Last evaluated: 2022-11-03. Review status: criteria provided, single submitter. Criteria: Quest Diagnostics criteria. Collection method: clinical testing. Allele origin: unknown.
Comment: This frameshift variant alters the translational reading frame of the BRCA2 mRNA and is predicted to cause the premature termination of BRCA2 protein synthesis. The variant has not been reported in individuals with BRCA2-related diseases in the published literature. It also has not been reported in large, multi-ethnic general populations. Based on the available information, this variant is classified as likely pathogenic.

NM_000059.4(BRCA2):c.5087del (p.Gly1696fs)

Gene: BRCA2 (BRCA2 DNA repair associated; plus strand). Cytogenetic location: 13q13.1.
Variant type: Deletion.
Coding change: c.5087del on transcript NM_000059.4 (MANE Select); coding-DNA position 5087, one base deleted (G; older notation c.5087delG).
Protein change: p.Gly1696fs; shifts the reading frame from glycine 1696.
Molecular consequence: frameshift variant. On other transcripts: non-coding transcript variant (1), intron variant (2).
Genome position (GRCh38, 1-based): chr13:32,339,442, G deleted; the last of 2 consecutive G bases (chr13:32,339,441-32,339,442); deleting either gives the same sequence. VCF-style (leftmost placement, unchanged base first): chr13-32339440-AG-A. GRCh37 (hg19) VCF-style: chr13-32913577-AG-A.
Other names: c.5087delG, p.Gly1696Glufs (NM_000059.3); c.5087del, p.Gly1696fs (NM_001406719.1, NM_001406720.1); c.1910-5116del (NM_001406721.1); c.425-5116del (NM_001406722.1); short protein forms G1696fs.
Identifiers: ClinVar variation 2681830 (VCV002681830.1), dbSNP rs2548529988, ClinGen allele CA2697551793.